The following is an entry in ClinVar:

NM_001142864.4(PIEZO1):c.5256C>A (p.Phe1752Leu)

Gene: PIEZO1 (piezo type mechanosensitive ion channel component 1 (Er blood group); minus strand). Cytogenetic location: 16q24.3.
Variant type: single nucleotide variant.
Coding change: c.5256C>A on transcript NM_001142864.4 (MANE Select); coding-DNA position 5256, C replaced by A.
Protein change: p.Phe1752Leu; replaces phenylalanine 1752 with leucine.
Molecular consequence: missense variant.
Genome position (GRCh38, 1-based): chr16:88,721,685, G>T on the plus strand (C>A on the coding strand, the complement: PIEZO1 is on the minus strand). VCF-style: chr16-88721685-G-T. GRCh37 (hg19) VCF-style: chr16-88788093-G-T.
Other names: p.Phe1752Leu; short protein forms F1752L.
Identifiers: ClinVar variation 3891948 (VCV003891948.2).
Genomic context (GRCh38, chr16:88,721,685, plus strand): 5'-GCGGGGCGGGAAGTAGGGCTTGTTCTCGTAGCGCCGCAGCACCACGTGGCTGTTCCAGGG[G>T]AAGAACCCAAACTGGAACAGGTACTTGACGACCACCGCGATCTGTGGGGGAGGGGGCTCA-3'
Protein context (NP_001136336.2, residues 1742-1762): VVKYLFQFGF[Phe1752Leu]PWNSHVVLRR

ClinVar aggregate classification (germline): Uncertain significance. Review status: criteria provided, multiple submitters, no conflicts (2 of 4 stars). 2 submissions from 2 submitters: Uncertain significance (2). Last evaluated 2025-06-09.

Conditions:
Lymphatic malformation 6 (LMPHM6). Also called: PIEZO1-related generalized lymphatic dysplasia with non-immune hydrops fetalis; GENERALIZED LYMPHATIC DYSPLASIA OF FOTIOU; Lymphedema, hereditary, III. Identifiers: Orphanet 568062, MedGen C4225184, MONDO:0014797, OMIM 616843.
Dehydrated hereditary stomatocytosis with or without pseudohyperkalemia and/or perinatal edema (DHS1). Also called: Dehydrated hereditary stomatocytosis 1 with or without pseudohyperkalemia and/or perinatal edema; PSEUDOHYPERKALEMIA EDINBURGH; DEHYDRATED HEREDITARY STOMATOCYTOSIS AND PSEUDOHYPERKALEMIA; DEHYDRATED HEREDITARY STOMATOCYTOSIS WITH PSEUDOHYPERKALEMIA AND PERINATAL EDEMA; Pseudohyperkalemia, familial, 1, due to red cell leak. Identifiers: Orphanet 3202, MedGen C4551512, MONDO:0008689, OMIM 194380.

gnomAD v4.1: 41 of 1,549,438 alleles (0.0026%); highest among the groups gnomAD compares: East Asian, 0.066%; no homozygotes.

Submissions (2):

Mayo Clinic Laboratories, Mayo Clinic
Classification: Uncertain significance. Last evaluated: 2025-06-09. Review status: criteria provided, single submitter. Criteria: ACMG Guidelines, 2015. Collection method: clinical testing. Allele origin: germline. Observed: 1 variant allele.
Comment: BP4_moderate

Department of Pathology and Laboratory Medicine, Sinai Health System
Classification: Uncertain significance for Dehydrated hereditary stomatocytosis with or without pseudohyperkalemia and/or perinatal edema; Lymphatic malformation 6. Last evaluated: 2023-10-24. Review status: criteria provided, single submitter. Criteria: ACMG Guidelines, 2015. Collection method: research. Allele origin: germline.